The following is an entry in ClinVar:

NM_000052.7(ATP7A):c.1924_1925del (p.Asp642fs)

Gene: ATP7A (ATPase copper transporting alpha; plus strand). Cytogenetic location: Xq21.1.
Variant type: Deletion.
Coding change: c.1924_1925del on transcript NM_000052.7 (MANE Select); coding-DNA positions 1924 to 1925, 2 bases deleted (GA; older notation c.1924_1925delGA).
Protein change: p.Asp642fs; shifts the reading frame from aspartic acid 642.
Molecular consequence: frameshift variant.
Genome position (GRCh38, 1-based): chrX:78,011,230-78,011,231, GA deleted; deleting any 2 consecutive bases within chrX:78,011,229-78,011,231 gives the same sequence; the c. name uses the placement nearest the transcript's 3' end. VCF-style (leftmost placement, unchanged base first): chrX-78011228-TAG-T. GRCh37 (hg19) VCF-style: chrX-77266725-TAG-T.
Other names: c.1924_1925del, p.Asp642fs (NM_001282224.2); short protein forms D642fs.
Identifiers: ClinVar variation 1724988 (VCV001724988.3), dbSNP rs2522348248, ClinGen allele CA2580101476.

ClinVar aggregate classification (germline): Likely pathogenic (1 of 4 stars; one submission).

Conditions:
Menkes kinky-hair syndrome (MNK). Also called: Copper transport disease; Classic Menkes Disease; Menkes Disease. Identifiers: Orphanet 565, MedGen C0022716, MONDO:0010651, OMIM 309400.

Submission:

Myriad Genetics, Inc.
Classification: Likely pathogenic for Menkes kinky-hair syndrome. Last evaluated: 2022-03-04. Review status: criteria provided, single submitter. Criteria: Myriad Autosomal Dominant, Autosomal Recessive and X-Linked Classification Criteria (2023). Collection method: clinical testing. Allele origin: unknown.
Comment: NM_000052.5(ATP7A):c.1924_1925delGA(D642Sfs*2) is expected to be pathogenic in the context of ATP7A-related disorders. This variant is predicted to lead to an abnormal or absent protein product due to the creation of a premature termination codon in ATP7A, a gene where loss-of-function variants are known to be pathogenic. Please note: this variant was assessed in the context of healthy population screening.